The following is an entry in ClinVar:

NM_144670.6(A2ML1):c.1589del (p.Pro530fs)

Gene: A2ML1 (alpha-2-macroglobulin like 1; plus strand). Cytogenetic location: 12p13.31.
Variant type: Deletion.
Coding change: c.1589del on transcript NM_144670.6 (MANE Select); coding-DNA position 1589, one base deleted (C; older notation c.1589delC).
Protein change: p.Pro530fs; shifts the reading frame from proline 530.
Molecular consequence: frameshift variant.
Genome position (GRCh38, 1-based): chr12:8,846,128, C deleted; the last of 4 consecutive C bases (chr12:8,846,125-8,846,128); deleting any one gives the same sequence. VCF-style (leftmost placement, unchanged base first): chr12-8846124-GC-G. GRCh37 (hg19) VCF-style: chr12-8998720-GC-G.
Other names: c.116del, p.Pro39fs (NM_001282424.3); short protein forms P530fs, P39fs.
Identifiers: ClinVar variation 966097 (VCV000966097.7), dbSNP rs1943676133, ClinGen allele CA1139662503.

ClinVar aggregate classification (germline): Uncertain significance (1 of 4 stars; one submission).

Submission:

Labcorp Genetics (formerly Invitae), Labcorp
Classification: Uncertain significance. Last evaluated: 2021-08-17. Review status: criteria provided, single submitter. Criteria: Invitae Variant Classification Sherloc (09022015). Collection method: clinical testing. Allele origin: germline.
Comment: In summary, the available evidence is currently insufficient to determine the role of this variant in disease. Therefore, it has been classified as a Variant of Uncertain Significance. The current clinical and genetic evidence is not sufficient to establish whether loss-of-function variants in A2ML1 cause disease. This variant has not been reported in the literature in individuals with A2ML1-related conditions. This variant is not present in population databases (ExAC no frequency). This sequence change creates a premature translational stop signal (p.Pro530Leufs*6) in the A2ML1 gene. It is expected to result in an absent or disrupted protein product.